The following is an entry in ClinVar:

ClinVar aggregate classification (germline): Uncertain significance (1 of 4 stars; one submission).

Conditions:
Cardiovascular phenotype. Identifiers: MedGen CN230736.

Submission:

Ambry Genetics
Classification: Uncertain significance for Cardiovascular phenotype. Last evaluated: 2024-11-20. Review status: criteria provided, single submitter. Criteria: Ambry Variant Classification Scheme 2023. Collection method: clinical testing. Allele origin: germline.
Comment: The p.A1144T variant (also known as c.3430G>A), located in coding exon 8 of the HCN4 gene, results from a G to A substitution at nucleotide position 3430. The alanine at codon 1144 is replaced by threonine, an amino acid with similar properties. This amino acid position is not well conserved in available vertebrate species. In addition, this alteration is predicted to be tolerated by in silico analysis. Based on the available evidence, the clinical significance of this variant remains unclear.

NM_005477.3(HCN4):c.3430G>A (p.Ala1144Thr)

Gene: HCN4 (hyperpolarization activated cyclic nucleotide gated potassium channel 4; minus strand). Cytogenetic location: 15q24.1.
Variant type: single nucleotide variant.
Coding change: c.3430G>A on transcript NM_005477.3 (MANE Select); coding-DNA position 3430, G replaced by A.
Protein change: p.Ala1144Thr; replaces alanine 1144 with threonine.
Molecular consequence: missense variant.
Genome position (GRCh38, 1-based): chr15:73,322,663, C>T on the plus strand (G>A on the coding strand, the complement: HCN4 is on the minus strand). VCF-style: chr15-73322663-C-T. GRCh37 (hg19) VCF-style: chr15-73615004-C-T.
Other names: short protein forms A1144T.
Identifiers: ClinVar variation 3524362 (VCV003524362.1).